The following is an entry in ClinVar:

ClinVar aggregate classification (germline): Conflicting classifications of pathogenicity. Review status: criteria provided, conflicting classifications (1 of 4 stars). 4 submissions from 4 submitters: Uncertain significance (1); Benign (1); Likely benign (2). Last evaluated 2024-12-26.

Conditions:
Hereditary nonpolyposis colorectal neoplasms. Identifiers: MedGen C0009405, MeSH D003123.
Lynch syndrome 5 (LYNCH5). Also called: Hereditary non-polyposis colorectal cancer, type 5; Colorectal cancer, hereditary nonpolyposis, type 5. Identifiers: Orphanet 144, MedGen C1833477, MONDO:0013710, OMIM 614350. Disease mechanism: loss of function.
Hereditary cancer-predisposing syndrome. Also called: Tumor predisposition; Hereditary neoplastic syndrome; Neoplastic Syndromes, Hereditary; Hereditary Cancer Syndrome. Identifiers: Orphanet 140162, MedGen C0027672, MeSH D009386, MONDO:0015356.

Allele frequency attached by ClinVar (database versions not stated): gnomAD below 0.00001 and 0.00001.
gnomAD v4.1: 2 of 1,613,856 alleles (0.00012%); highest among the groups gnomAD compares: South Asian, 0.0011%; no homozygotes.

Submissions (4):

Myriad Genetics, Inc.
Classification: Benign for Lynch syndrome 5. Last evaluated: 2024-12-26. Review status: criteria provided, single submitter. Criteria: Myriad Autosomal Dominant, Autosomal Recessive and X-Linked Classification Criteria (2023). Collection method: clinical testing. Allele origin: unknown.
Comment: This variant is considered benign. This variant is a silent/synonymous amino acid change and it is not expected to impact splicing.

GeneDx
Classification: Uncertain significance. Last evaluated: 2023-12-04. Review status: criteria provided, single submitter. Criteria: GeneDx Variant Classification Process June 2021. Collection method: clinical testing. Allele origin: germline. Affected: yes.
Comment: Not observed at significant frequency in large population cohorts (gnomAD); In silico analysis supports that this variant does not alter splicing; Has not been previously published as pathogenic or benign to our knowledge

Labcorp Genetics (formerly Invitae), Labcorp
Classification: Likely benign for Hereditary nonpolyposis colorectal neoplasms. Last evaluated: 2023-07-10. Review status: criteria provided, single submitter. Criteria: Invitae Variant Classification Sherloc (09022015). Collection method: clinical testing. Allele origin: germline.

Ambry Genetics
Classification: Likely benign for Hereditary cancer-predisposing syndrome. Last evaluated: 2019-11-22. Review status: criteria provided, single submitter. Criteria: Ambry Variant Classification Scheme 2023. Collection method: clinical testing. Allele origin: germline.

NM_000179.3(MSH6):c.1362C>A (p.Gly454=)

Gene: MSH6 (mutS homolog 6; plus strand). Cytogenetic location: 2p16.3.
Variant type: single nucleotide variant.
Coding change: c.1362C>A on transcript NM_000179.3 (MANE Select); coding-DNA position 1362, C replaced by A.
Protein change: p.Gly454=; no amino-acid change (glycine 454 retained).
Molecular consequence: synonymous variant.
Genome position (GRCh38, 1-based): chr2:47,799,345, C>A. VCF-style: chr2-47799345-C-A. GRCh37 (hg19) VCF-style: chr2-48026484-C-A.
Other names: c.972C>A, p.Gly324= (NM_001281492.2); c.456C>A, p.Gly152= (NM_001281493.2, NM_001281494.2).
Identifiers: ClinVar variation 818983 (VCV000818983.15), dbSNP rs1572722712, ClinGen allele CA426121092.